The following is an entry in ClinVar:

ClinVar aggregate classification (germline): Pathogenic (1 of 4 stars; one submission).

Conditions:
Ehlers-Danlos syndrome, classic type, 1 (EDSCL1). Also called: EHLERS-DANLOS SYNDROME, GRAVIS TYPE; EHLERS-DANLOS SYNDROME, SEVERE CLASSIC TYPE; Ehlers-Danlos syndrome, type 1; Ehlers-Danlos Syndrome, Classic Type, COL5A1-Related; EDS I. Identifiers: MedGen C0268335, MONDO:0019567, OMIM 130000.

Submission:

Labcorp Genetics (formerly Invitae), Labcorp
Classification: Pathogenic for Ehlers-Danlos syndrome, classic type, 1. Last evaluated: 2023-04-06. Review status: criteria provided, single submitter. Criteria: Invitae Variant Classification Sherloc (09022015). Collection method: clinical testing. Allele origin: germline.
Comment: This sequence change creates a premature translational stop signal (p.Gly1405Glufs*83) in the COL5A1 gene. It is expected to result in an absent or disrupted protein product. Loss-of-function variants in COL5A1 are known to be pathogenic (PMID: 23587214). This variant is not present in population databases (gnomAD no frequency). This variant has not been reported in the literature in individuals affected with COL5A1-related conditions. For these reasons, this variant has been classified as Pathogenic.

Literature cited by the submitters: PubMed 23587214.

NM_000093.5(COL5A1):c.4214del (p.Gly1405fs)

Gene: COL5A1 (collagen type V alpha 1 chain; plus strand). Cytogenetic location: 9q34.3.
Variant type: Deletion.
Coding change: c.4214del on transcript NM_000093.5 (MANE Select); coding-DNA position 4214, one base deleted (G; older notation c.4214delG).
Protein change: p.Gly1405fs; shifts the reading frame from glycine 1405.
Molecular consequence: frameshift variant.
Genome position (GRCh38, 1-based): chr9:134,817,815, G deleted; the last of 3 consecutive G bases (chr9:134,817,813-134,817,815); deleting any one gives the same sequence. VCF-style (leftmost placement, unchanged base first): chr9-134817812-AG-A. GRCh37 (hg19) VCF-style: chr9-137709658-AG-A.
Other names: c.4214del, p.Gly1405fs (NM_001278074.1); short protein forms G1405fs.
Identifiers: ClinVar variation 2849139 (VCV002849139.3), dbSNP rs2490845453, ClinGen allele CA2739265221.